The following is an entry in ClinVar:

NM_001135649.3(FOXI3):c.792A>T (p.Gly264=)

Gene: FOXI3 (forkhead box I3; minus strand). Cytogenetic location: 2p11.2.
Variant type: single nucleotide variant.
Coding change: c.792A>T on transcript NM_001135649.3 (MANE Select); coding-DNA position 792, A replaced by T.
Protein change: p.Gly264=; no amino-acid change (glycine 264 retained).
Molecular consequence: synonymous variant.
Genome position (GRCh38, 1-based): chr2:88,448,678, T>A on the plus strand (A>T on the coding strand, the complement: FOXI3 is on the minus strand). VCF-style: chr2-88448678-T-A. GRCh37 (hg19) VCF-style: chr2-88748197-T-A.
Identifiers: ClinVar variation 3011780 (VCV003011780.3), dbSNP rs1410589160, ClinGen allele CA427452326.

ClinVar aggregate classification (germline): Uncertain significance (1 of 4 stars; one submission).

Allele frequency attached by ClinVar (database versions not stated): gnomAD exomes below 0.00001.

Submission:

Labcorp Genetics (formerly Invitae), Labcorp
Classification: Uncertain significance. Last evaluated: 2025-03-27. Review status: criteria provided, single submitter. Criteria: Invitae Variant Classification Sherloc (09022015). Collection method: clinical testing. Allele origin: germline.
Comment: This sequence change affects codon 264 of the FOXI3 mRNA. It is a 'silent' change, meaning that it does not change the encoded amino acid sequence of the FOXI3 protein. This variant is not present in population databases (gnomAD no frequency). This variant has not been reported in the literature in individuals affected with FOXI3-related conditions. ClinVar contains an entry for this variant (Variation ID: 3011780). Algorithms developed to predict the effect of sequence changes on RNA splicing suggest that this variant may create or strengthen a splice site. In summary, the available evidence is currently insufficient to determine the role of this variant in disease. Therefore, it has been classified as a Variant of Uncertain Significance.